The following is an entry in ClinVar:

NM_004239.4(TRIP11):c.3817A>C (p.Ser1273Arg)

Gene: TRIP11 (thyroid hormone receptor interactor 11; minus strand). Cytogenetic location: 14q32.12.
Variant type: single nucleotide variant.
Coding change: c.3817A>C on transcript NM_004239.4 (MANE Select); coding-DNA position 3817, A replaced by C.
Protein change: p.Ser1273Arg; replaces serine 1273 with arginine.
Molecular consequence: missense variant.
Genome position (GRCh38, 1-based): chr14:92,004,159, T>G on the plus strand (A>C on the coding strand, the complement: TRIP11 is on the minus strand). VCF-style: chr14-92004159-T-G. GRCh37 (hg19) VCF-style: chr14-92470503-T-G.
Other names: c.3814A>C, p.Ser1272Arg (NM_001321851.1); short protein forms S1272R, S1273R.
Identifiers: ClinVar variation 1331071 (VCV001331071.7), dbSNP rs2140116644, ClinGen allele CA390651363.
Genomic context (GRCh38, chr14:92,004,159, plus strand): 5'-GCTGAACTTGTGCTAATTCCTGCCCAAAATTTTTGAGTTTGGTTTCATTCTGCTCATAAC[T>G]TTGGATCAGGCCAGTATAGTCCACTTGTAATTTAGAATTATTATCACTGTCAACCAAAAC-3'
Protein context (NP_004230.2, residues 1263-1283): LQVDYTGLIQ[Ser1273Arg]YEQNETKLKN

ClinVar aggregate classification (germline): Uncertain significance (1 of 4 stars; one submission).

Submission:

ARUP Laboratories, Molecular Genetics and Genomics, ARUP Laboratories
Classification: Uncertain significance. Last evaluated: 2021-02-12. Review status: criteria provided, single submitter. Criteria: ARUP Molecular Germline Variant Investigation Process 2021. Collection method: clinical testing. Allele origin: germline.
Comment: The TRIP11 c.3817A>C; p.Ser1273Arg variant (no rsID), to our knowledge, is not reported in the medical literature or gene specific databases. This variant is also absent from general population databases (Exome Variant Server, Genome Aggregation Database), indicating it is not a common polymorphism. The serine at codon 1273 is moderately conserved, and computational analyses predict that this variant is neutral (REVEL: 0.107). However, due to limited information, the clinical significance of the p.Ser1273Arg variant is uncertain at this time.